The following is an entry in ClinVar:

NM_182914.3(SYNE2):c.20062-24C>T

Gene: SYNE2 (spectrin repeat containing nuclear envelope protein 2; plus strand). Cytogenetic location: 14q23.2.
Variant type: single nucleotide variant.
Coding change: c.20062-24C>T on transcript NM_182914.3 (MANE Select); 24 bases into the intron before coding-DNA position 20062, C replaced by T.
Molecular consequence: intron variant. On other transcripts: missense variant (2).
Genome position (GRCh38, 1-based): chr14:64,221,552, C>T. VCF-style: chr14-64221552-C-T. GRCh37 (hg19) VCF-style: chr14-64688270-C-T.
Other names: c.604C>T, p.Arg202Cys (NM_182910.2); c.982C>T, p.Arg328Cys (NM_182913.4); c.19993-24C>T (NM_015180.6); short protein forms R202C, R328C.
Identifiers: ClinVar variation 3770923 (VCV003770923.14).

ClinVar aggregate classification (germline): Likely benign. Review status: criteria provided, multiple submitters, no conflicts (2 of 4 stars). 2 submissions from 2 submitters: Likely benign (2). Last evaluated 2024-09-09.

gnomAD v4.1: 226 of 1,614,144 alleles (0.014%); highest among the groups gnomAD compares: South Asian, 0.2%; 5 homozygotes.

Submissions (2):

Blueprint Genetics
Classification: Likely benign. Last evaluated: 2024-09-09. Review status: criteria provided, single submitter. Criteria: ACMG Guidelines, 2015. Collection method: clinical testing. Allele origin: germline.

CeGaT Center for Human Genetics Tuebingen
Classification: Likely benign. Last evaluated: 2024-06-01. Review status: criteria provided, single submitter. Criteria: CeGaT Center For Human Genetics Tuebingen Variant Classification Criteria Version 2. Collection method: clinical testing. Allele origin: germline. Affected: yes. Observed: 1 variant allele.
Comment: SYNE2: BP4, BS2